The following is an entry in ClinVar:

NM_001680.5(FXYD2):c.-8C>G

Genes: FXYD6-FXYD2 (FXYD6-FXYD2 readthrough; minus strand), FXYD2 (FXYD domain containing ion transport regulator 2; minus strand). Cytogenetic location: 11q23.3.
Variant type: single nucleotide variant.
Coding change: c.-8C>G on transcript NM_001680.5 (MANE Select); 8 bases upstream of the start codon, C replaced by G.
Molecular consequence: 5 prime UTR variant. On other transcripts: intron variant (3).
Genome position (GRCh38, 1-based): chr11:117,824,686, G>C on the plus strand (C>G on the coding strand, the complement: FXYD2 is on the minus strand). VCF-style: chr11-117824686-G-C. GRCh37 (hg19) VCF-style: chr11-117695401-G-C.
Other names: c.273-1969C>G (NM_001243598.4); c.260-1969C>G (NM_001204268.3); c.20-1969C>G (NM_021603.4).
Identifiers: ClinVar variation 4535809 (VCV004535809.1).

ClinVar aggregate classification (germline): Uncertain significance (1 of 4 stars; one submission).

gnomAD v4.1: 117 of 1,613,848 alleles (0.0072%); highest among the groups gnomAD compares: Non-Finnish European, 0.00051%; no homozygotes.

Submission:

Women's Health and Genetics/Laboratory Corporation of America, LabCorp
Classification: Uncertain significance. Last evaluated: 2025-09-04. Review status: criteria provided, single submitter. Criteria: LabCorp Variant Classification Summary - May 2015. Collection method: clinical testing. Allele origin: germline.
Comment: Variant summary: FXYD2 c.-8C>G is located in the untranslated mRNA region upstream of the initiation codon. The variant allele was found at a frequency of 0.00014 in 250618 control chromosomes in the gnomAD database, including 1 homozygotes. This frequency is not significantly higher than estimated for disease-causing variants in FXYD2, allowing no conclusion about variant significance. To our knowledge, no occurrence of c.-8C>G in individuals affected with FXYD2-related conditions and no experimental evidence demonstrating its impact on protein function have been reported. No submitters have cited clinical-significance assessments for this variant to ClinVar. Based on the evidence outlined above, the variant was classified as uncertain significance.